The following is an entry in ClinVar:

ClinVar aggregate classification (germline): Likely pathogenic (1 of 4 stars; one submission).

Conditions:
Neurodevelopmental disorder with hypotonia and variable intellectual and behavioral abnormalities. Identifiers: MedGen C5231423, MONDO:0032829, OMIM 618603.

Submission:

Victorian Clinical Genetics Services, Murdoch Childrens Research Institute
Classification: Likely pathogenic for Neurodevelopmental disorder with hypotonia and variable intellectual and behavioral abnormalities. Last evaluated: 2026-02-12. Review status: criteria provided, single submitter. Criteria: ACMG Guidelines, 2015. Collection method: clinical testing. Allele origin: germline. Affected: yes.
Comment: This variant is classified as Likely pathogenic. Evidence in support of pathogenic classification: Variant is predicted to cause nonsense-mediated decay (NMD) and loss of protein (premature termination codon is located at least 54 nucleotides upstream of the final exon-exon junction); Variant is absent from gnomAD (v2, v3 and v4); Other NMD-predicted variant(s) comparable to the one identified in this case have moderate previous evidence for pathogenicity. These variants have been classified as pathogenic or as VUS by clinical laboratories in ClinVar. Additionally, three de novo individuals have been reported in the literature with NMD-predicted variants (PMID: 31353023); Additional information: This variant is heterozygous; This gene is associated with autosomal dominant disease; This variant has no previous evidence of pathogenicity; No published evidence of segregation with disease has been identified for this variant; No published functional evidence has been identified for this variant; Loss of function is a known mechanism of disease in this gene and is associated with neurodevelopmental disorder with hypotonia and variable intellectual and behavioral abnormalities (MIM#618603). However, due to the greater severity in phenotype of patients with some missense variants, a dominant negative mechanism has also been suggested (PMID: 31353023).

Literature cited by the submitters: PubMed 31353023.

NM_000937.5(POLR2A):c.1397_1400dup (p.Met467fs)

Gene: POLR2A (RNA polymerase II subunit A; plus strand). Cytogenetic location: 17p13.1.
Variant type: Duplication.
Coding change: c.1397_1400dup on transcript NM_000937.5 (MANE Select); coding-DNA positions 1397 to 1400, 4 bases duplicated (AAAT; older notation c.1397_1400dupAAAT).
Protein change: p.Met467fs; shifts the reading frame from methionine 467.
Molecular consequence: frameshift variant.
Genome position (GRCh38, 1-based): chr17:7,499,100-7,499,103, AAAT duplicated. VCF-style (leftmost placement, unchanged base first): chr17-7499099-A-AAAAT. GRCh37 (hg19) VCF-style: chr17-7402418-A-AAAAT.
Other names: short protein forms M467fs.
Identifiers: ClinVar variation 4879654 (VCV004879654.1).